The following is an entry in ClinVar:

ClinVar aggregate classification (germline): Uncertain significance (1 of 4 stars; one submission).

Conditions:
Microcephaly, normal intelligence and immunodeficiency (NBS). Also called: SEEMANOVA SYNDROME II; Ataxia telangiectasia variant V1; IMMUNODEFICIENCY, MICROCEPHALY, AND CHROMOSOMAL INSTABILITY; Immunodeficiency, microcephaly with normal intelligence; Nijmegen breakage syndrome; Microcephaly with normal intelligence immunodeficiency and lymphoreticular malignancies. Identifiers: Orphanet 647, MedGen C0398791, MONDO:0009623, OMIM 251260.

Submission:

Labcorp Genetics (formerly Invitae), Labcorp
Classification: Uncertain significance for Microcephaly, normal intelligence and immunodeficiency. Last evaluated: 2023-10-23. Review status: criteria provided, single submitter. Criteria: Invitae Variant Classification Sherloc (09022015). Collection method: clinical testing. Allele origin: germline.
Comment: This sequence change replaces proline, which is neutral and non-polar, with serine, which is neutral and polar, at codon 593 of the NBN protein (p.Pro593Ser). This variant is not present in population databases (gnomAD no frequency). This variant has not been reported in the literature in individuals affected with NBN-related conditions. An algorithm developed to predict the effect of missense changes on protein structure and function (PolyPhen-2) suggests that this variant is likely to be tolerated. In summary, the available evidence is currently insufficient to determine the role of this variant in disease. Therefore, it has been classified as a Variant of Uncertain Significance.

NM_002485.5(NBN):c.1777C>T (p.Pro593Ser)

Gene: NBN (nibrin; minus strand). Cytogenetic location: 8q21.3.
Variant type: single nucleotide variant.
Coding change: c.1777C>T on transcript NM_002485.5 (MANE Select); coding-DNA position 1777, C replaced by T.
Protein change: p.Pro593Ser; replaces proline 593 with serine.
Molecular consequence: missense variant.
Genome position (GRCh38, 1-based): chr8:89,953,312, G>A on the plus strand (C>T on the coding strand, the complement: NBN is on the minus strand). VCF-style: chr8-89953312-G-A. GRCh37 (hg19) VCF-style: chr8-90965540-G-A.
Other names: c.1531C>T, p.Pro511Ser (NM_001024688.3); short protein forms P511S, P593S.
Identifiers: ClinVar variation 2777136 (VCV002777136.3), dbSNP rs146989944, ClinGen allele CA371655113.
Genomic context (GRCh38, chr8:89,953,312, plus strand): 5'-TGCTACTTTCTGGTACTGCTTCATCACTGAAAGTGTCATTTGTTTCTATATCCATCCTTG[G>A]CCTTTTTCTAACATTGACATCTTCCTCCTGTTTTTGAACTTTCACATCAATTTCTAACTC-3'
Protein context (NP_002476.2, residues 583-603): QEEDVNVRKR[Pro593Ser]RMDIETNDTF